The following is an entry in ClinVar:

NM_005591.4(MRE11):c.946A>G (p.Asn316Asp)

Gene: MRE11 (MRE11 double strand break repair nuclease; minus strand). Cytogenetic location: 11q21.
Variant type: single nucleotide variant.
Coding change: c.946A>G on transcript NM_005591.4 (MANE Select); coding-DNA position 946, A replaced by G.
Protein change: p.Asn316Asp; replaces asparagine 316 with aspartic acid.
Molecular consequence: missense variant.
Genome position (GRCh38, 1-based): chr11:94,470,542, T>C on the plus strand (A>G on the coding strand, the complement: MRE11 is on the minus strand). VCF-style: chr11-94470542-T-C. GRCh37 (hg19) VCF-style: chr11-94203708-T-C.
Other names: c.946A>G, p.Asn316Asp (NM_001330347.2, NM_005590.4); short protein forms N316D.
Identifiers: ClinVar variation 466443 (VCV000466443.11), dbSNP rs767684060, ClinGen allele CA6235255.

ClinVar aggregate classification (germline): Conflicting classifications of pathogenicity. Review status: criteria provided, conflicting classifications (1 of 4 stars). 3 submissions from 3 submitters: Uncertain significance (2); Likely benign (1). Last evaluated 2023-06-16.

Conditions:
Ataxia-telangiectasia-like disorder (ATLD). Identifiers: MedGen C1858391, MONDO:0011457.
Ataxia-telangiectasia-like disorder 1 (ATLD1). Identifiers: Orphanet 251347, MedGen C4012790, MONDO:0024557, OMIM 604391.
Hereditary cancer-predisposing syndrome. Also called: Neoplastic Syndromes, Hereditary; Tumor predisposition; Hereditary Cancer Syndrome; Hereditary neoplastic syndrome. Identifiers: Orphanet 140162, MedGen C0027672, MeSH D009386, MONDO:0015356.

Allele frequency attached by ClinVar (database versions not stated): gnomAD exomes below 0.00001 and 0.00002; gnomAD 0.00001; TOPMed 0.00001; ExAC 0.00002.
gnomAD v4.1: 6 of 1,613,102 alleles (0.00037%); highest among the groups gnomAD compares: East Asian, 0.013%; no homozygotes.

Submissions (3):

Baylor Genetics
Classification: Uncertain significance for Ataxia-telangiectasia-like disorder 1. Last evaluated: 2023-06-16. Review status: criteria provided, single submitter. Criteria: ACMG Guidelines, 2015. Collection method: clinical testing. Allele origin: unknown.

Labcorp Genetics (formerly Invitae), Labcorp
Classification: Uncertain significance for Ataxia-telangiectasia-like disorder. Last evaluated: 2021-08-31. Review status: criteria provided, single submitter. Criteria: Invitae Variant Classification Sherloc (09022015). Collection method: clinical testing. Allele origin: germline.
Comment: This sequence change replaces asparagine with aspartic acid at codon 316 of the MRE11 protein (p.Asn316Asp). The asparagine residue is weakly conserved and there is a small physicochemical difference between asparagine and aspartic acid. This variant is present in population databases (rs767684060, ExAC 0.03%). This variant has not been reported in the literature in individuals affected with MRE11-related conditions. Algorithms developed to predict the effect of missense changes on protein structure and function output the following: SIFT: "Tolerated"; PolyPhen-2: "Benign"; Align-GVGD: "Class C0". The aspartic acid amino acid residue is found in multiple mammalian species, which suggests that this missense change does not adversely affect protein function. In summary, the available evidence is currently insufficient to determine the role of this variant in disease. Therefore, it has been classified as a Variant of Uncertain Significance.

Ambry Genetics
Classification: Likely benign for Hereditary cancer-predisposing syndrome. Last evaluated: 2020-05-05. Review status: criteria provided, single submitter. Criteria: Ambry Variant Classification Scheme 2023. Collection method: clinical testing. Allele origin: germline.